The following is an entry in ClinVar:

NM_004304.5(ALK):c.4339A>G (p.Thr1447Ala)

Gene: ALK (ALK receptor tyrosine kinase; minus strand). Cytogenetic location: 2p23.2.
Variant type: single nucleotide variant.
Coding change: c.4339A>G on transcript NM_004304.5 (MANE Select); coding-DNA position 4339, A replaced by G.
Protein change: p.Thr1447Ala; replaces threonine 1447 with alanine.
Molecular consequence: missense variant.
Genome position (GRCh38, 1-based): chr2:29,193,748, T>C on the plus strand (A>G on the coding strand, the complement: ALK is on the minus strand). VCF-style: chr2-29193748-T-C. GRCh37 (hg19) VCF-style: chr2-29416614-T-C.
Other names: c.1135A>G, p.Thr379Ala (NM_001353765.2); short protein forms T1447A, T379A.
Identifiers: ClinVar variation 2970643 (VCV002970643.3), dbSNP rs1573078828, ClinGen allele CA346462587.

ClinVar aggregate classification (germline): Uncertain significance (1 of 4 stars; one submission).

Conditions:
Neuroblastoma, susceptibility to, 3. Also called: ALK-Related Neuroblastic Tumor Susceptibility. Identifiers: Orphanet 635, MedGen C2751681, MONDO:0013083, OMIM 613014.

Submission:

Labcorp Genetics (formerly Invitae), Labcorp
Classification: Uncertain significance for Neuroblastoma, susceptibility to, 3. Last evaluated: 2023-04-10. Review status: criteria provided, single submitter. Criteria: Invitae Variant Classification Sherloc (09022015). Collection method: clinical testing. Allele origin: germline.
Comment: This sequence change replaces threonine, which is neutral and polar, with alanine, which is neutral and non-polar, at codon 1447 of the ALK protein (p.Thr1447Ala). In summary, the available evidence is currently insufficient to determine the role of this variant in disease. Therefore, it has been classified as a Variant of Uncertain Significance. Algorithms developed to predict the effect of missense changes on protein structure and function output the following: SIFT: "Not Available"; PolyPhen-2: "Benign"; Align-GVGD: "Not Available". The alanine amino acid residue is found in multiple mammalian species, which suggests that this missense change does not adversely affect protein function. This variant has not been reported in the literature in individuals affected with ALK-related conditions. This variant is not present in population databases (gnomAD no frequency).